The following is an entry in ClinVar:

ClinVar aggregate classification (germline): Likely benign. Review status: criteria provided, multiple submitters, no conflicts (2 of 4 stars). 3 submissions from 3 submitters: Likely benign (3). Last evaluated 2026-01-01.

Conditions:
Multiple endocrine neoplasia, type 2 (MEN2). Identifiers: Orphanet 653, MedGen C4048306, MONDO:0019003. Disease mechanism: gain of function.
Hereditary cancer-predisposing syndrome. Also called: Hereditary Cancer Syndrome; Tumor predisposition; Hereditary neoplastic syndrome; Neoplastic Syndromes, Hereditary. Identifiers: Orphanet 140162, MedGen C0027672, MeSH D009386, MONDO:0015356.

Allele frequency attached by ClinVar (database versions not stated): gnomAD exomes below 0.00001.
gnomAD v4.1: 1 of 1,613,504 alleles (0.000062%); highest among the groups gnomAD compares: Middle Eastern, 0.017%; no homozygotes.

Submissions (3):

Labcorp Genetics (formerly Invitae), Labcorp
Classification: Likely benign for Multiple endocrine neoplasia, type 2. Last evaluated: 2026-01-01. Review status: criteria provided, single submitter. Criteria: Invitae Variant Classification Sherloc (09022015). Collection method: clinical testing. Allele origin: germline.

CeGaT Center for Human Genetics Tuebingen
Classification: Likely benign. Last evaluated: 2022-05-01. Review status: criteria provided, single submitter. Criteria: CeGaT Center For Human Genetics Tuebingen Variant Classification Criteria Version 2. Collection method: clinical testing. Allele origin: germline. Affected: yes. Observed: 1 variant allele.
Comment: RET: BP4, BP7

Ambry Genetics
Classification: Likely benign for Hereditary cancer-predisposing syndrome. Last evaluated: 2019-08-20. Review status: criteria provided, single submitter. Criteria: Ambry Variant Classification Scheme 2023. Collection method: clinical testing. Allele origin: germline.

NM_020975.6(RET):c.952C>T (p.Leu318=)

Gene: RET (ret proto-oncogene; plus strand). Cytogenetic location: 10q11.21.
Variant type: single nucleotide variant.
Coding change: c.952C>T on transcript NM_020975.6 (MANE Select); coding-DNA position 952, C replaced by T.
Protein change: p.Leu318=; no amino-acid change (leucine 318 retained).
Molecular consequence: synonymous variant. On other transcripts: intron variant (25).
Genome position (GRCh38, 1-based): chr10:43,106,460, C>T. VCF-style: chr10-43106460-C-T. GRCh37 (hg19) VCF-style: chr10-43601908-C-T.
Other names: c.952C>T, p.Leu318= (NM_000323.2, NM_001406743.1, NM_001406744.1 and 6 more transcripts); c.190C>T, p.Leu64= (NM_001355216.2); c.823C>T, p.Leu275= (NM_001406761.1, NM_001406762.1, NM_001406764.1 and 1 more transcripts); c.664C>T, p.Leu222= (NM_001406766.1, NM_001406767.1, NM_001406770.1); c.867+1267C>T (NM_001406772.1, NM_001406769.1); c.626-2571C>T (NM_001406773.1, NM_001406771.1); c.625+3831C>T (NM_001406782.1, NM_001406780.1, NM_001406779.1 and 3 more transcripts); c.738+1267C>T (NM_001406774.1); and 5 more.
Identifiers: ClinVar variation 761869 (VCV000761869.46), dbSNP rs1235573033, ClinGen allele CA469023754.